The following is an entry in ClinVar:

ClinVar aggregate classification (germline): Conflicting classifications of pathogenicity. Review status: criteria provided, conflicting classifications (1 of 4 stars). 2 submissions from 2 submitters: Uncertain significance (1); Likely benign (1). Last evaluated 2026-01-15.

Conditions:
Autosomal dominant nonsyndromic hearing loss 1. Also called: KONIGSMARK SYNDROME; DEAFNESS, AUTOSOMAL DOMINANT 1, WITH OR WITHOUT THROMBOCYTOPENIA. Identifiers: Orphanet 90635, MedGen C1852282, MONDO:0007424, OMIM 124900.
Progressive microcephaly-seizures-cortical blindness-developmental delay syndrome. Also called: Seizures, cortical blindness, and microcephaly syndrome. Identifiers: Orphanet 477814, MedGen C5567650, MONDO:0014714, OMIM 616632.
Inborn genetic diseases. Identifiers: MedGen C0950123, MeSH D030342.

Allele frequency attached by ClinVar (database versions not stated): gnomAD 0.00001; ExAC 0.00002; gnomAD exomes 0.00004.
gnomAD v4.1: 17 of 1,613,986 alleles (0.0011%); highest among the groups gnomAD compares: South Asian, 0.0088%; no homozygotes.

Submissions (2):

Labcorp Genetics (formerly Invitae), Labcorp
Classification: Uncertain significance for Progressive microcephaly-seizures-cortical blindness-developmental delay syndrome; Autosomal dominant nonsyndromic hearing loss 1. Last evaluated: 2026-01-15. Review status: criteria provided, single submitter. Criteria: Invitae Variant Classification Sherloc (09022015). Collection method: clinical testing. Allele origin: germline.
Comment: This sequence change replaces valine, which is neutral and non-polar, with methionine, which is neutral and non-polar, at codon 925 of the DIAPH1 protein (p.Val925Met). This variant is present in population databases (rs773243948, gnomAD 0.02%). This variant has not been reported in the literature in individuals affected with DIAPH1-related conditions. ClinVar contains an entry for this variant (Variation ID: 1435376). An algorithm developed to predict the effect of missense changes on protein structure and function (PolyPhen-2) suggests that this variant is likely to be disruptive. In summary, the available evidence is currently insufficient to determine the role of this variant in disease. Therefore, it has been classified as a Variant of Uncertain Significance.

Ambry Genetics
Classification: Likely benign for Inborn genetic diseases. Last evaluated: 2022-12-01. Review status: criteria provided, single submitter. Criteria: Ambry Variant Classification Scheme 2023. Collection method: clinical testing. Allele origin: germline.

NM_005219.5(DIAPH1):c.2773G>A (p.Val925Met)

Gene: DIAPH1 (diaphanous related formin 1; minus strand). Cytogenetic location: 5q31.3.
Variant type: single nucleotide variant.
Coding change: c.2773G>A on transcript NM_005219.5 (MANE Select); coding-DNA position 2773, G replaced by A.
Protein change: p.Val925Met; replaces valine 925 with methionine.
Molecular consequence: missense variant.
Genome position (GRCh38, 1-based): chr5:141,529,177, C>T on the plus strand (G>A on the coding strand, the complement: DIAPH1 is on the minus strand). VCF-style: chr5-141529177-C-T. GRCh37 (hg19) VCF-style: chr5-140908744-C-T.
Other names: c.2746G>A, p.Val916Met (NM_001079812.3); c.2773G>A, p.Val925Met (NM_001314007.2); c.2773G>A (NM_005219.4); short protein forms V916M, V925M.
Identifiers: ClinVar variation 1435376 (VCV001435376.13), dbSNP rs773243948, ClinGen allele CA3478963.
Genomic context (GRCh38, chr5:141,529,177, plus strand): 5'-AGGGGAGGGGAATACAGGAGGTGGAAAACCGCTTACTGCCACAGGCCTCACTCACCACCA[C>T]GCCAAACTGCTCTGACTCAGCCAGGTCATCATATTCATCCTTCAGTTCAGAAAGCATTTT-3'
Protein context (NP_005210.3, residues 915-935): DDLAESEQFG[Val925Met]VMGTVPRLRP